The following is an entry in ClinVar:

NM_002332.3(LRP1):c.83G>T (p.Ser28Ile)

Gene: LRP1 (LDL receptor related protein 1; plus strand). Cytogenetic location: 12q13.3.
Variant type: single nucleotide variant.
Coding change: c.83G>T on transcript NM_002332.3 (MANE Select); coding-DNA position 83, G replaced by T.
Protein change: p.Ser28Ile; replaces serine 28 with isoleucine.
Molecular consequence: missense variant.
Genome position (GRCh38, 1-based): chr12:57,138,474, G>T. VCF-style: chr12-57138474-G-T. GRCh37 (hg19) VCF-style: chr12-57532257-G-T.
Other names: short protein forms S28I.
Identifiers: ClinVar variation 4975220 (VCV004975220.1).
Genomic context (GRCh38, chr12:57,138,474, plus strand): 5'-GGCCTCCATCCTTCATTTATATCCCCTTTTCTTTCCTTGCCCTAGCCCCTAAGACTTGCA[G>T]CCCCAAGCAGTTTGCCTGCAGAGATCAAATAACCTGTATCTCAAAGGGCTGGCGGTGCGA-3'
Protein context (NP_002323.2, residues 18-38): AAAIDAPKTC[Ser28Ile]PKQFACRDQI

ClinVar aggregate classification (germline): Uncertain significance (1 of 4 stars; one submission).

gnomAD v4.1: 3 of 1,613,954 alleles (0.00019%); highest among the groups gnomAD compares: African/African-American, 0.0013%; no homozygotes.

Submission:

GeneDx
Classification: Uncertain significance. Last evaluated: 2025-12-29. Review status: criteria provided, single submitter. Criteria: GeneDx Variant Classification Process June 2021. Collection method: clinical testing. Allele origin: germline.
Comment: Not observed at significant frequency in large population cohorts (gnomAD); In silico analysis supports that this missense variant has a deleterious effect on protein structure/function; Has not been previously published as pathogenic or benign to our knowledge; Variants in candidate genes are classified as variants of uncertain significance in accordance with ACMG guidelines (PMID: 25741868)